The following is an entry in ClinVar:

NM_003072.5(SMARCA4):c.2312A>G (p.Asn771Ser)

Gene: SMARCA4 (SWI/SNF related BAF chromatin remodeling complex subunit ATPase 4; plus strand). Cytogenetic location: 19p13.2.
Variant type: single nucleotide variant.
Coding change: c.2312A>G on transcript NM_003072.5 (MANE Select); coding-DNA position 2312, A replaced by G.
Protein change: p.Asn771Ser; replaces asparagine 771 with serine.
Molecular consequence: missense variant. On other transcripts: non-coding transcript variant (1).
Genome position (GRCh38, 1-based): chr19:11,012,986, A>G. VCF-style: chr19-11012986-A-G. GRCh37 (hg19) VCF-style: chr19-11123662-A-G.
Other names: c.2312A>G, p.Asn771Ser (NM_001128844.3, NM_001128845.2, NM_001128846.2 and 6 more transcripts); short protein forms N771S.
Identifiers: ClinVar variation 1789453 (VCV001789453.2), dbSNP rs2146277723, ClinGen allele CA404053081.
Genomic context (GRCh38, chr19:11,012,986, plus strand): 5'-CGTGGCCGCATCTGTCCTTGCAGATCAAAGGTTTGGAGTGGCTGGTGTCCCTGTACAACA[A>G]CAACCTGAACGGCATCCTGGCCGACGAGATGGGCCTGGGGAAGACCATCCAGACCATCGC-3'
Protein context (NP_003063.2, residues 761-781): GLEWLVSLYN[Asn771Ser]NLNGILADEM

ClinVar aggregate classification (germline): Uncertain significance (1 of 4 stars; one submission).

Conditions:
Hereditary cancer-predisposing syndrome. Also called: Hereditary Cancer Syndrome; Hereditary neoplastic syndrome; Tumor predisposition; Neoplastic Syndromes, Hereditary. Identifiers: Orphanet 140162, MedGen C0027672, MeSH D009386, MONDO:0015356.

Submission:

Ambry Genetics
Classification: Uncertain significance for Hereditary cancer-predisposing syndrome. Last evaluated: 2022-01-27. Review status: criteria provided, single submitter. Criteria: Ambry Variant Classification Scheme 2023. Collection method: clinical testing. Allele origin: germline.
Comment: The p.N771S variant (also known as c.2312A>G), located in coding exon 15 of the SMARCA4 gene, results from an A to G substitution at nucleotide position 2312. The asparagine at codon 771 is replaced by serine, an amino acid with highly similar properties. This amino acid position is highly conserved in available vertebrate species. In addition, the in silico prediction for this alteration is inconclusive. Missense and in-frame variants in SMARCA4 are known to cause neurodevelopmental disorders; however, such associations with rhabdoid tumor predisposition syndrome including small cell carcinoma of the ovary-hypercalcemic type (SCCOHT) are exceedingly rare (Kosho T et al. Am J Med Genet C Semin Med Genet. 2014 Sep;166C(3):262-75; Jelinic P et al. Nat Genet. 2014 May;46(5):424-6). Based on the supporting evidence, the association of this alteration with Coffin-Siris syndrome is unknown; however, the association of this alteration with rhabdoid tumor predisposition syndrome is unlikely.